The following is an entry in ClinVar:

NM_144997.7(FLCN):c.1412G>T (p.Ser471Ile)

Gene: FLCN (folliculin; minus strand). Cytogenetic location: 17p11.2.
Variant type: single nucleotide variant.
Coding change: c.1412G>T on transcript NM_144997.7 (MANE Select); coding-DNA position 1412, G replaced by T.
Protein change: p.Ser471Ile; replaces serine 471 with isoleucine.
Molecular consequence: missense variant.
Genome position (GRCh38, 1-based): chr17:17,215,205, C>A on the plus strand (G>T on the coding strand, the complement: FLCN is on the minus strand). VCF-style: chr17-17215205-C-A. GRCh37 (hg19) VCF-style: chr17-17118519-C-A.
Other names: c.1466G>T, p.Ser489Ile (NM_001353229.2); c.1412G>T, p.Ser471Ile (NM_001353230.2, NM_001353231.2); short protein forms S489I, S471I.
Identifiers: ClinVar variation 2451817 (VCV002451817.2), dbSNP rs1457951673, ClinGen allele CA398531142.
Genomic context (GRCh38, chr17:17,215,205, plus strand): 5'-ATCTTCTCACAAAAAGGACACTCTGCCTGGGGGCACCCACCTCGGTCTGCAGCTACAGGG[C>A]TCCCACTGGTCACCACAAACTCGTACTTGCTGAGAGACTGGTCATCCTCACACCCCACAG-3'
Protein context (NP_659434.2, residues 461-481): SKYEFVVTSG[Ser471Ile]PVAADRVGPT

ClinVar aggregate classification (germline): Uncertain significance (1 of 4 stars; one submission).

Conditions:
Hereditary cancer-predisposing syndrome. Also called: Neoplastic Syndromes, Hereditary; Tumor predisposition; Hereditary neoplastic syndrome; Hereditary Cancer Syndrome. Identifiers: Orphanet 140162, MedGen C0027672, MeSH D009386, MONDO:0015356.

Submission:

Ambry Genetics
Classification: Uncertain significance for Hereditary cancer-predisposing syndrome. Last evaluated: 2022-11-17. Review status: criteria provided, single submitter. Criteria: Ambry Variant Classification Scheme 2023. Collection method: clinical testing. Allele origin: germline.
Comment: The p.S471I variant (also known as c.1412G>T), located in coding exon 9 of the FLCN gene, results from a G to T substitution at nucleotide position 1412. The serine at codon 471 is replaced by isoleucine, an amino acid with dissimilar properties. This amino acid position is conserved. In addition, the in silico prediction for this alteration is inconclusive. Since supporting evidence is limited at this time, the clinical significance of this alteration remains unclear.